The following is an entry in ClinVar:

NM_001374828.1(ARID1B):c.5679C>T (p.Ala1893=)

Gene: ARID1B (AT-rich interaction domain 1B; plus strand). Cytogenetic location: 6q25.3.
Variant type: single nucleotide variant.
Coding change: c.5679C>T on transcript NM_001374828.1 (MANE Select); coding-DNA position 5679, C replaced by T.
Protein change: p.Ala1893=; no amino-acid change (alanine 1893 retained).
Molecular consequence: synonymous variant.
Genome position (GRCh38, 1-based): chr6:157,206,451, C>T. VCF-style: chr6-157206451-C-T. GRCh37 (hg19) VCF-style: chr6-157527585-C-T.
Other names: c.3180C>T, p.Ala1060= (NM_001363725.2); c.5559C>T, p.Ala1853= (NM_001371656.1, NM_001374820.1); c.5520C>T, p.Ala1840= (NM_017519.3); c.5310C>T, p.Ala1770= (NM_020732.3).
Identifiers: ClinVar variation 588533 (VCV000588533.40), dbSNP rs146982427, ClinGen allele CA4067884.

ClinVar aggregate classification (germline): Likely benign. Review status: criteria provided, multiple submitters, no conflicts (2 of 4 stars). 6 submissions from 6 submitters: Likely benign (5). 1 of the submissions does not count toward it. Last evaluated 2025-03-24.

Conditions:
ARID1B-Related Disorder. Identifiers: MedGen CN381337.
Inborn genetic diseases. Identifiers: MedGen C0950123, MeSH D030342.

Allele frequency attached by ClinVar (database versions not stated): gnomAD exomes 0.00016 and 0.00034; TOPMed 0.00016; ExAC 0.00019; gnomAD 0.00019 and 0.00021; ESP Exome Variant Server 0.00023.
gnomAD v4.1: 519 of 1,613,918 alleles (0.032%); highest among the groups gnomAD compares: Non-Finnish European, 0.042%; no homozygotes.

Submissions (6):

Labcorp Genetics (formerly Invitae), Labcorp
Classification: Likely benign. Last evaluated: 2025-03-24. Review status: criteria provided, single submitter. Criteria: Invitae Variant Classification Sherloc (09022015). Collection method: clinical testing. Allele origin: germline.

Blueprint Genetics
Classification: Likely benign. Last evaluated: 2024-09-02. Review status: criteria provided, single submitter. Criteria: ACMG Guidelines, 2015. Collection method: clinical testing. Allele origin: germline.

CeGaT Center for Human Genetics Tuebingen
Classification: Likely benign. Last evaluated: 2024-06-01. Review status: criteria provided, single submitter. Criteria: CeGaT Center For Human Genetics Tuebingen Variant Classification Criteria Version 2. Collection method: clinical testing. Allele origin: germline. Affected: yes. Observed: 2 variant alleles.
Comment: ARID1B: BP4

GeneDx
Classification: Likely benign. Last evaluated: 2020-05-27. Review status: criteria provided, single submitter. Criteria: GeneDx Variant Classification Process June 2021. Collection method: clinical testing. Allele origin: germline. Affected: yes.

Ambry Genetics
Classification: Likely benign for Inborn genetic diseases. Last evaluated: 2016-12-09. Review status: criteria provided, single submitter. Criteria: Ambry Variant Classification Scheme 2023. Collection method: clinical testing. Allele origin: germline.

PreventionGenetics, part of Exact Sciences
Classification: Likely benign for ARID1B-related condition. Last evaluated: 2019-08-14. Review status: no assertion criteria provided. Collection method: clinical testing. Allele origin: germline. Not counted in ClinVar's aggregate classification.
Comment: This variant is classified as likely benign based on ACMG/AMP sequence variant interpretation guidelines (Richards et al. 2015 PMID: 25741868, with internal and published modifications).